The following is an entry in ClinVar:

NM_000287.4(PEX6):c.1961+20G>A

Gene: PEX6 (peroxisomal biogenesis factor 6; minus strand). Cytogenetic location: 6p21.1.
Variant type: single nucleotide variant.
Coding change: c.1961+20G>A on transcript NM_000287.4 (MANE Select); 20 bases into the intron after coding-DNA position 1961, G replaced by A.
Molecular consequence: intron variant.
Genome position (GRCh38, 1-based): chr6:42,966,762, C>T on the plus strand (G>A on the coding strand, the complement: PEX6 is on the minus strand). VCF-style: chr6-42966762-C-T. GRCh37 (hg19) VCF-style: chr6-42934500-C-T.
Other names: c.1697+20G>A (NM_001316313.2).
Identifiers: ClinVar variation 92781 (VCV000092781.20), dbSNP rs2274514, ClinGen allele CA146001.

ClinVar aggregate classification (germline): Benign. Review status: criteria provided, multiple submitters, no conflicts (2 of 4 stars). 10 submissions from 8 submitters: Benign (9). 1 of the submissions does not count toward it. Last evaluated 2026-02-04.

Conditions:
Peroxisome biogenesis disorder 4B (PBD4B). Also called: SPINOCEREBELLAR ATAXIA WITH BLINDNESS AND DEAFNESS 1. Identifiers: Orphanet 44, Orphanet 95433, MedGen C3553937, MONDO:0013931, OMIM 614863.
Peroxisome biogenesis disorder 4A (Zellweger) (PBD4A). Also called: Zellweger syndrome spectrum (PEX6-related). Identifiers: Orphanet 912, MedGen C3553936, MONDO:0013930, OMIM 614862. Disease mechanism: loss of function.
Peroxisome biogenesis disorder. Identifiers: Orphanet 79189, MedGen C1832200, MONDO:0019234. Disease mechanism: loss of function.
Heimler syndrome 2 (HMLR2). Also called: PEROXISOME BIOGENESIS DISORDER 4C. Identifiers: Orphanet 3220, MedGen C4225267, OMIM 616617, MONDO:0014709.

Allele frequency attached by ClinVar (database versions not stated): gnomAD exomes 0.47775 and 0.52092; ExAC 0.49102; 1000 Genomes Project 0.49381; 1000 Genomes Project 30x 0.50359; gnomAD 0.55842 and 0.56870; TOPMed 0.56233; ESP Exome Variant Server 0.59780.
gnomAD v4.1: 845,828 of 1,613,236 alleles (52%); highest among the groups gnomAD compares: African/African-American, 74%; 227,794 homozygotes.

Submissions (10):

Labcorp Genetics (formerly Invitae), Labcorp
Classification: Benign for Peroxisome biogenesis disorder. Last evaluated: 2026-02-04. Review status: criteria provided, single submitter. Criteria: Invitae Variant Classification Sherloc (09022015). Collection method: clinical testing. Allele origin: germline.

Blueprint Genetics
Classification: Benign. Last evaluated: 2024-11-27. Review status: criteria provided, single submitter. Criteria: ACMG Guidelines, 2015. Collection method: clinical testing. Allele origin: germline.

Genome-Nilou Lab
Classification: Benign for Heimler syndrome 2. Last evaluated: 2021-07-10. Review status: criteria provided, single submitter. Criteria: ACMG Guidelines, 2015. Collection method: clinical testing. Allele origin: germline. Affected: no.

Genome-Nilou Lab
Classification: Benign for Peroxisome biogenesis disorder 4A (Zellweger). Last evaluated: 2021-07-10. Review status: criteria provided, single submitter. Criteria: ACMG Guidelines, 2015. Collection method: clinical testing. Allele origin: germline. Affected: no.

Genome-Nilou Lab
Classification: Benign for Peroxisome biogenesis disorder 4B. Last evaluated: 2021-07-10. Review status: criteria provided, single submitter. Criteria: ACMG Guidelines, 2015. Collection method: clinical testing. Allele origin: germline. Affected: no.

GeneDx
Classification: Benign. Last evaluated: 2018-08-07. Review status: criteria provided, single submitter. Criteria: GeneDx Variant Classification Process June 2021. Collection method: clinical testing. Allele origin: germline. Affected: yes.

Women's Health and Genetics/Laboratory Corporation of America, LabCorp
Classification: Benign. Last evaluated: 2016-10-10. Review status: criteria provided, single submitter. Criteria: LabCorp Variant Classification Summary - May 2015. Collection method: clinical testing. Allele origin: germline.
Comment: Variant summary: The PEX6 c.1961+20G>A variant involves the alteration of a non-conserved intronic nucleotide with 4/5 splice prediction tools predicting no significant impact on splicing and ESE finder predicting alterations to ESE binding. The variant of interest was observed in the large, broad control population, ExAC, with an allele frequency of 59608/121396 (15767 homozygotes, 1/2), which significantly exceeds the estimated maximal expected allele frequency for a pathogenic PEX6 variant of 1/516, suggesting this variant is likely a benign polymorphism. In addition, multiple clinical diagnostic laboratories/reputable databases classified this variant as benign. The variant of interest has not, to our knowledge, been reported in affected individuals via publications nor evaluated for functional impact by in vivo/vitro studies. Taken together, this variant is classified as benign.

Eurofins Ntd Llc (ga)
Classification: Benign. Last evaluated: 2013-12-23. Review status: criteria provided, single submitter. Criteria: EGL Classification Definitions 2015. Collection method: clinical testing. Allele origin: germline. Observed: 5 variant alleles, 3 heterozygotes, 2 homozygotes.

PreventionGenetics, part of Exact Sciences
Classification: Benign. Review status: criteria provided, single submitter. Criteria: ACMG Guidelines, 2015. Collection method: clinical testing. Allele origin: germline.

Mayo Clinic Laboratories, Mayo Clinic
Classification: Benign. Last evaluated: 2015-10-21. Review status: no assertion criteria provided. Collection method: clinical testing. Allele origin: unknown. Not counted in ClinVar's aggregate classification.